The following is an entry in ClinVar:

NC_000002.11:g.(?_108602979)_(108630451_?)dup

Gene: SLC5A7 (solute carrier family 5 member 7; plus strand). Cytogenetic location: 2q12.3.
Variant type: Duplication.
Identifiers: ClinVar variation 3907031 (VCV003907031.1).

ClinVar aggregate classification (germline): Uncertain significance (1 of 4 stars; one submission).

Submission:

Women's Health and Genetics/Laboratory Corporation of America, LabCorp
Classification: Uncertain significance. Last evaluated: 2025-06-18. Review status: criteria provided, single submitter. Criteria: LabCorp Variant Classification Summary - May 2015. Collection method: clinical testing. Allele origin: germline.
Comment: Variant summary: The variant involves the duplication of exons 1-9 in the SLC5A7 gene. This duplication includes the entire coding sequence of the gene. As exact breakpoints are unknown, it may extend beyond the annotated region of the gene, to include other flanking genes. A presumed nomenclature of c.(?_-292)_(*3134_?)dup has been designated for the purposes of this classification. The variant was absent in 21694 control chromosomes. The available data on variant occurrences in the general population are insufficient to allow any conclusion about variant significance. To our knowledge, no occurrence of c.(?_-292)_(*3134_?)dup in individuals affected with Congenital myasthenic syndrome 20 and no experimental evidence demonstrating its impact on protein function have been reported. ClinVar contains an entry for this variant (Variation ID: 831843). Based on the evidence outlined above, the variant was classified as uncertain significance.